The following is an entry in ClinVar:

ClinVar aggregate classification (germline): Uncertain significance. Review status: criteria provided, multiple submitters, no conflicts (2 of 4 stars). 2 submissions from 2 submitters: Uncertain significance (2). Last evaluated 2026-08-25.

Conditions:
C3-related disorder. Also called: C3-related condition.

gnomAD v4.1: 14 of 1,611,046 alleles (0.00087%); highest among the groups gnomAD compares: Non-Finnish European, 0.0011%; no homozygotes.

Submissions (2):

PreventionGenetics, part of Exact Sciences
Classification: Uncertain significance for C3-related condition. Last evaluated: 2026-08-25. Review status: criteria provided, single submitter. Criteria: ACMG Guidelines, 2015. Collection method: clinical testing. Allele origin: germline.
Comment: The C3 c.735C>G variant is predicted to result in the amino acid substitution p.Ile245Met. To our knowledge, this variant has not been reported in the literature or in a large population database (gnomAD), indicating this variant is rare. At this time, the clinical significance of this variant is uncertain due to the absence of conclusive functional and genetic evidence.

Labcorp Genetics (formerly Invitae), Labcorp
Classification: Uncertain significance. Last evaluated: 2023-10-20. Review status: criteria provided, single submitter. Criteria: Invitae Variant Classification Sherloc (09022015). Collection method: clinical testing. Allele origin: germline.
Comment: This sequence change replaces isoleucine, which is neutral and non-polar, with methionine, which is neutral and non-polar, at codon 245 of the C3 protein (p.Ile245Met). This variant is not present in population databases (gnomAD no frequency). This variant has not been reported in the literature in individuals affected with C3-related conditions. Advanced modeling of protein sequence and biophysical properties (such as structural, functional, and spatial information, amino acid conservation, physicochemical variation, residue mobility, and thermodynamic stability) performed at Invitae indicates that this missense variant is expected to disrupt C3 protein function. In summary, the available evidence is currently insufficient to determine the role of this variant in disease. Therefore, it has been classified as a Variant of Uncertain Significance.

NM_000064.4(C3):c.735C>G (p.Ile245Met)

Gene: C3 (complement C3; minus strand). Cytogenetic location: 19p13.3.
Variant type: single nucleotide variant.
Coding change: c.735C>G on transcript NM_000064.4 (MANE Select); coding-DNA position 735, C replaced by G.
Protein change: p.Ile245Met; replaces isoleucine 245 with methionine.
Molecular consequence: missense variant.
Genome position (GRCh38, 1-based): chr19:6,714,030, G>C on the plus strand (C>G on the coding strand, the complement: C3 is on the minus strand). VCF-style: chr19-6714030-G-C. GRCh37 (hg19) VCF-style: chr19-6714041-G-C.
Other names: c.735C>G (NM_000064.3); short protein forms I245M.
Identifiers: ClinVar variation 2997884 (VCV002997884.4), dbSNP rs1455683720, ClinGen allele CA403642958.